The following is an entry in ClinVar:

NM_000219.6(KCNE1):c.305G>T (p.Ser102Ile)

Gene: KCNE1 (potassium voltage-gated channel subfamily E regulatory subunit 1; minus strand). Cytogenetic location: 21q22.12.
Variant type: single nucleotide variant.
Coding change: c.305G>T on transcript NM_000219.6 (MANE Select); coding-DNA position 305, G replaced by T.
Protein change: p.Ser102Ile; replaces serine 102 with isoleucine.
Molecular consequence: missense variant.
Genome position (GRCh38, 1-based): chr21:34,449,330, C>A on the plus strand (G>T on the coding strand, the complement: KCNE1 is on the minus strand). VCF-style: chr21-34449330-C-A. GRCh37 (hg19) VCF-style: chr21-35821628-C-A.
Other names: c.305G>T, p.Ser102Ile (NM_001127668.4, NM_001127669.4, NM_001127670.4 and 4 more transcripts); short protein forms S102I.
Identifiers: ClinVar variation 3374588 (VCV003374588.2).
Genomic context (GRCh38, chr21:34,449,330, plus strand): 5'-AGGTGTGTGTTGGGTTGTTCTATGGCCAGATGGTTTTCAACGACATAGCACGACCTGTAG[C>A]TCTCCAGGACCCGGGCCTGGACATAGGCCTTGTCCTTCTCTTGCCAGGCATCGGACTCGA-3'
Protein context (NP_000210.2, residues 92-112): KAYVQARVLE[Ser102Ile]YRSCYVVENH

Conditions:
Long QT syndrome 5 (LQT5). Identifiers: Orphanet 101016, Orphanet 768, MedGen C1867904, MONDO:0013372, OMIM 613695.

Submission:

Roden Lab, Vanderbilt University Medical Center
No classification provided (evidence only). Condition: Long QT syndrome 5. Review status: no classification provided. Collection method: in vitro. Allele origin: not applicable. Functional consequence: Effect on ion channel function.
ClinVar note: "not provided" was previously submitted as the classification for the variant. However, the classification appeared to be based only on an observation of functional data so it was converted to no classification on 2025-07-30.